The following is an entry in ClinVar:

ClinVar aggregate classification (germline): Pathogenic (1 of 4 stars; one submission).

Conditions:
Beta-D-mannosidosis (MANSB). Also called: MANNOSIDOSIS, BETA A, LYSOSOMAL; BETA-MANNOSIDASE DEFICIENCY; LYSOSOMAL BETA-MANNOSIDASE DEFICIENCY; Beta-Mannosidosis. Identifiers: Orphanet 118, MedGen C4048196, MONDO:0009562, OMIM 248510.

Allele frequency attached by ClinVar (database versions not stated): gnomAD 0.00001.

Submission:

Labcorp Genetics (formerly Invitae), Labcorp
Classification: Pathogenic for Beta-D-mannosidosis. Last evaluated: 2023-10-28. Review status: criteria provided, single submitter. Criteria: Invitae Variant Classification Sherloc (09022015). Collection method: clinical testing. Allele origin: germline.
Comment: This sequence change creates a premature translational stop signal (p.Trp390*) in the MANBA gene. It is expected to result in an absent or disrupted protein product. Loss-of-function variants in MANBA are known to be pathogenic (PMID: 9384606, 12468273). This variant is present in population databases (no rsID available, gnomAD 0.01%). This variant has not been reported in the literature in individuals affected with MANBA-related conditions. For these reasons, this variant has been classified as Pathogenic.

Literature cited by the submitters: PubMed 9384606; PubMed 12468273.

NM_005908.4(MANBA):c.1169G>A (p.Trp390Ter)

Gene: MANBA (mannosidase beta; minus strand). Cytogenetic location: 4q24.
Variant type: single nucleotide variant.
Coding change: c.1169G>A on transcript NM_005908.4 (MANE Select); coding-DNA position 1169, G replaced by A.
Protein change: p.Trp390Ter; replaces tryptophan 390 with a stop codon.
Molecular consequence: nonsense.
Genome position (GRCh38, 1-based): chr4:102,671,342, C>T on the plus strand (G>A on the coding strand, the complement: MANBA is on the minus strand). VCF-style: chr4-102671342-C-T. GRCh37 (hg19) VCF-style: chr4-103592499-C-T.
Other names: short protein forms W390*.
Identifiers: ClinVar variation 2836697 (VCV002836697.3), dbSNP rs1270359418, ClinGen allele CA357764117.